The following is an entry in ClinVar:

ClinVar aggregate classification (germline): Conflicting classifications of pathogenicity. Review status: criteria provided, conflicting classifications (1 of 4 stars). 5 submissions from 5 submitters: Uncertain significance (4); Benign (1). Last evaluated 2025-07-01.

Conditions:
Cardiovascular phenotype. Identifiers: MedGen CN230736.
Hereditary cancer-predisposing syndrome. Also called: Hereditary neoplastic syndrome; Neoplastic Syndromes, Hereditary; Tumor predisposition; Hereditary Cancer Syndrome. Identifiers: Orphanet 140162, MedGen C0027672, MeSH D009386, MONDO:0015356.
Juvenile myelomonocytic leukemia (JMML). Also called: LEUKEMIA, JUVENILE MYELOMONOCYTIC, SOMATIC. Identifiers: Orphanet 86834, MedGen C0349639, MONDO:0011908, OMIM 607785, HP:0012209.
Neurofibromatosis-Noonan syndrome (NFNS). Also called: NEUROFIBROMATOSIS WITH NOONAN PHENOTYPE. Identifiers: Orphanet 638, MedGen C2931482, MONDO:0011035, OMIM 601321. Disease mechanism: loss of function.
Neurofibromatosis, familial spinal (FSNF). Identifiers: Orphanet 636, MedGen C1834235, MONDO:0008078, OMIM 162210. Disease mechanism: loss of function.
Neurofibromatosis, type 1 (NF1). Also called: VON RECKLINGHAUSEN DISEASE; Peripheral type neurofibromatosis; NEUROFIBROMATOSIS, TYPE I, SOMATIC; Neurofibromatosis, type I. Identifiers: Orphanet 636, MedGen C0027831, MONDO:0018975, OMIM 162200. Disease mechanism: loss of function.
Café-au-lait macules with pulmonary stenosis (WTSN). Also called: PULMONIC STENOSIS WITH CAFE-AU-LAIT SPOTS. Identifiers: MedGen C0553586, MONDO:0008672, OMIM 193520.

Allele frequency attached by ClinVar (database versions not stated): TOPMed below 0.00001.

Submissions (5):

Labcorp Genetics (formerly Invitae), Labcorp
Classification: Benign for Neurofibromatosis, type 1. Last evaluated: 2025-07-01. Review status: criteria provided, single submitter. Criteria: Invitae Variant Classification Sherloc (09022015). Collection method: clinical testing. Allele origin: germline.

Ambry Genetics
Classification: Uncertain significance for Cardiovascular phenotype; Hereditary cancer-predisposing syndrome. Last evaluated: 2025-03-07. Review status: criteria provided, single submitter. Criteria: Ambry Variant Classification Scheme 2023. Collection method: clinical testing. Allele origin: germline.
Comment: The p.K814E variant (also known as c.2440A>G), located in coding exon 21 of the NF1 gene, results from an A to G substitution at nucleotide position 2440. The lysine at codon 814 is replaced by glutamic acid, an amino acid with similar properties. This amino acid position is highly conserved in available vertebrate species. In addition, this alteration is predicted to be tolerated by in silico analysis. Based on the available evidence, the clinical significance of this variant remains unclear.

Genome-Nilou Lab
Classification: Uncertain significance for Neurofibromatosis, type 1. Last evaluated: 2022-03-15. Review status: criteria provided, single submitter. Criteria: ACMG Guidelines, 2015. Collection method: clinical testing. Allele origin: germline. Affected: no.

Fulgent Genetics
Classification: Uncertain significance for Neurofibromatosis, type 1; Neurofibromatosis, familial spinal; Café-au-lait macules with pulmonary stenosis; Neurofibromatosis-Noonan syndrome; Juvenile myelomonocytic leukemia. Last evaluated: 2022-01-06. Review status: criteria provided, single submitter. Criteria: ACMG Guidelines, 2015. Collection method: clinical testing. Allele origin: unknown.

Sema4
Classification: Uncertain significance for Hereditary cancer-predisposing syndrome. Last evaluated: 2021-12-05. Review status: criteria provided, single submitter. Criteria: Sema4 Curation Guidelines. Collection method: curation. Allele origin: germline.
Comment: The NF1 c.2440A>G (p.K814E) variant has not been reported in the literature to our knowledge. It was not observed in the large and broad cohorts of the Genome Aggregation Database (PMID: 32461654). This variant has been reported in ClinVar (Variation ID: 484051). Functional studies have not been performed, and in silico predictions of the variant's effect on protein function are inconclusive. The evidence is insufficient to meet ACMG/AMP criteria for classifying the variant as benign or pathogenic. Thus, the clinical significance of this variant is currently uncertain.

NM_001042492.3(NF1):c.2440A>G (p.Lys814Glu)

Gene: NF1 (neurofibromin 1; plus strand). Cytogenetic location: 17q11.2.
Variant type: single nucleotide variant.
Coding change: c.2440A>G on transcript NM_001042492.3 (MANE Select); coding-DNA position 2440, A replaced by G.
Protein change: p.Lys814Glu; replaces lysine 814 with glutamic acid.
Molecular consequence: missense variant.
Genome position (GRCh38, 1-based): chr17:31,229,055, A>G. VCF-style: chr17-31229055-A-G. GRCh37 (hg19) VCF-style: chr17-29556073-A-G.
Other names: c.2440A>G, p.Lys814Glu (NM_000267.4); short protein forms K814E.
Identifiers: ClinVar variation 484051 (VCV000484051.17), dbSNP rs1555614184, ClinGen allele CA398983888.
Genomic context (GRCh38, chr17:31,229,055, plus strand): 5'-TCATGCTTTGCACAAAAATTTTGTGTTTAGGCTGCTGAAAGCCTTCACAAGACCATTGTT[A>G]AGAGGCGAATGTCCCATGTGAGTGGAGGAGGATCCATAGATTTGTCTGACACAGACTCCC-3'
Protein context (NP_001035957.1, residues 804-824): AAESLHKTIV[Lys814Glu]RRMSHVSGGG